The following is an entry in ClinVar:

ClinVar aggregate classification (germline): Uncertain significance (1 of 4 stars; one submission).

Conditions:
Atrial fibrillation, familial, 18 (ATFB18). Identifiers: MedGen C4310636, MONDO:0015001, OMIM 617280.

gnomAD v4.1: 1 of 1,614,084 alleles (0.000062%); highest among the groups gnomAD compares: African/African-American, 0.0013%; no homozygotes.

Submission:

Juno Genomics, Hangzhou Juno Genomics, Inc
Classification: Uncertain significance for Atrial fibrillation, familial, 18. Review status: criteria provided, single submitter. Criteria: ACMG Guidelines, 2015. Collection method: clinical testing. Allele origin: germline.
Comment: Absent from controls (or at extremely low frequency if recessive) in Genome Aggregation Database.;Multiple lines of computational evidence support a deleterious effect on the gene or gene product.

NM_002476.2(MYL4):c.556A>G (p.Asn186Asp)

Gene: MYL4 (myosin light chain 4; plus strand). Cytogenetic location: 17q21.32.
Variant type: single nucleotide variant.
Coding change: c.556A>G on transcript NM_002476.2 (MANE Select); coding-DNA position 556, A replaced by G.
Protein change: p.Asn186Asp; replaces asparagine 186 with aspartic acid.
Molecular consequence: missense variant.
Genome position (GRCh38, 1-based): chr17:47,222,448, A>G. VCF-style: chr17-47222448-A-G. GRCh37 (hg19) VCF-style: chr17-45299814-A-G.
Other names: c.556A>G, p.Asn186Asp (NM_001002841.2); short protein forms N186D.
Identifiers: ClinVar variation 5005767 (VCV005005767.2).